The following is an entry in ClinVar:

ClinVar aggregate classification (germline): Benign/Likely benign. Review status: criteria provided, multiple submitters, no conflicts (2 of 4 stars). 4 submissions from 4 submitters: Benign (1); Likely benign (2). 1 of the submissions does not count toward it. Last evaluated 2026-05-01.

Conditions:
KMT2E-related disorder. Also called: KMT2E-related condition.

Allele frequency attached by ClinVar (database versions not stated): gnomAD 0.00006; gnomAD exomes 0.00014; TOPMed 0.00016; ExAC 0.00023.
gnomAD v4.1: 91 of 1,613,910 alleles (0.0056%); highest among the groups gnomAD compares: Admixed American, 0.15%; no homozygotes.

Submissions (4):

CeGaT Center for Human Genetics Tuebingen
Classification: Likely benign. Last evaluated: 2026-05-01. Review status: criteria provided, single submitter. Criteria: CeGaT Center For Human Genetics Tuebingen Variant Classification Criteria Version 2. Collection method: clinical testing. Allele origin: germline. Affected: yes. Observed: 2 variant alleles.
Comment: KMT2E: BP4, BP7, BS1

Labcorp Genetics (formerly Invitae), Labcorp
Classification: Benign. Last evaluated: 2025-09-07. Review status: criteria provided, single submitter. Criteria: Invitae Variant Classification Sherloc (09022015). Collection method: clinical testing. Allele origin: germline.

Breakthrough Genomics
Classification: Likely benign. Review status: criteria provided, single submitter. Criteria: ACMG Guidelines, 2015. Collection method: not provided. Allele origin: germline. Inheritance: Autosomal dominant inheritance. Affected: yes.

PreventionGenetics, part of Exact Sciences
Classification: Likely benign for KMT2E-related condition. Last evaluated: 2024-01-30. Review status: no assertion criteria provided. Collection method: clinical testing. Allele origin: germline. Not counted in ClinVar's aggregate classification.
Comment: This variant is classified as likely benign based on ACMG/AMP sequence variant interpretation guidelines (Richards et al. 2015 PMID: 25741868, with internal and published modifications).

NM_182931.3(KMT2E):c.5271T>C (p.Thr1757=)

Gene: KMT2E (lysine methyltransferase 2E (inactive); plus strand). Cytogenetic location: 7q22.3.
Variant type: single nucleotide variant.
Coding change: c.5271T>C on transcript NM_182931.3 (MANE Select); coding-DNA position 5271, T replaced by C.
Protein change: p.Thr1757=; no amino-acid change (threonine 1757 retained).
Molecular consequence: synonymous variant.
Genome position (GRCh38, 1-based): chr7:105,113,027, T>C. VCF-style: chr7-105113027-T-C. GRCh37 (hg19) VCF-style: chr7-104753474-T-C.
Other names: c.5145T>C, p.Thr1715= (NM_001410908.1); c.5271T>C, p.Thr1757= (NM_018682.4); c.5271T>C (NM_182931.2).
Identifiers: ClinVar variation 2079222 (VCV002079222.14), dbSNP rs753557046, ClinGen allele CA4424953.